The following is an entry in ClinVar:

NM_152419.3(HGSNAT):c.828A>G (p.Thr276=)

Gene: HGSNAT (heparan-alpha-glucosaminide N-acetyltransferase; plus strand). Cytogenetic location: 8p11.21.
Variant type: single nucleotide variant.
Coding change: c.828A>G on transcript NM_152419.3 (MANE Select); coding-DNA position 828, A replaced by G.
Protein change: p.Thr276=; no amino-acid change (threonine 276 retained).
Molecular consequence: synonymous variant. On other transcripts: intron variant (2).
Genome position (GRCh38, 1-based): chr8:43,173,720, A>G. VCF-style: chr8-43173720-A-G. GRCh37 (hg19) VCF-style: chr8-43028863-A-G.
Other names: p.Thr276=; c.828A>G, p.Thr276= (NM_001363227.2); c.-14+1334A>G (NM_001363229.2); c.820+1334A>G (NM_001363228.2).
Identifiers: ClinVar variation 709436 (VCV000709436.17), dbSNP rs182393180, ClinGen allele CA4736651.

ClinVar aggregate classification (germline): Benign/Likely benign. Review status: criteria provided, multiple submitters, no conflicts (2 of 4 stars). 6 submissions from 6 submitters: Benign (1); Likely benign (3). 2 of the submissions do not count toward it. Last evaluated 2026-01-31.

Conditions:
Mucopolysaccharidosis, MPS-III-C (MPS3C). Also called: MUCOPOLYSACCHARIDOSIS, TYPE IIIC; mucopolysaccharidosis type 3C; SANFILIPPO SYNDROME C; MPS III C; MPS IIIC (Sanfilippo Syndrome Type C); Mucopolysaccharidosis type IIIC (Sanfilippo C). Identifiers: Orphanet 581, Orphanet 79271, MedGen C0086649, MONDO:0009657, OMIM 252930.
Retinitis pigmentosa 73 (RP73). Identifiers: Orphanet 791, MedGen C4225287, MONDO:0014687, OMIM 616544.
HGSNAT-related disorder. Also called: HGSNAT-related condition.

Allele frequency attached by ClinVar (database versions not stated): gnomAD exomes 0.00038 and 0.00015; 1000 Genomes Project 0.00100; 1000 Genomes Project 30x 0.00141; ESP Exome Variant Server 0.00177; gnomAD 0.00164 and 0.00177; TOPMed 0.00165; ExAC 0.00050.
gnomAD v4.1: 484 of 1,613,194 alleles (0.03%); highest among the groups gnomAD compares: African/African-American, 0.55%; 1 homozygote.

Submissions (9):

Labcorp Genetics (formerly Invitae), Labcorp
Classification: Benign for Retinitis pigmentosa 73; Mucopolysaccharidosis, MPS-III-C. Last evaluated: 2026-01-31. Review status: criteria provided, single submitter. Criteria: Invitae Variant Classification Sherloc (09022015). Collection method: clinical testing. Allele origin: germline.

Mayo Clinic Laboratories, Mayo Clinic
Classification: Likely benign. Last evaluated: 2025-04-09. Review status: criteria provided, single submitter. Criteria: ACMG Guidelines, 2015. Collection method: clinical testing. Allele origin: germline. Observed: 4 variant alleles.
Comment: BP4, BP7

Blueprint Genetics
Classification: Likely benign. Last evaluated: 2024-11-25. Review status: criteria provided, single submitter. Criteria: ACMG Guidelines, 2015. Collection method: clinical testing. Allele origin: germline.

Women's Health and Genetics/Laboratory Corporation of America, LabCorp
Classification: Likely benign. Last evaluated: 2021-12-10. Review status: criteria provided, single submitter. Criteria: LabCorp Variant Classification Summary - May 2015. Collection method: clinical testing. Allele origin: germline.

Natera, Inc.
Classification: Likely benign for Mucopolysaccharidosis type IIIC. Last evaluated: 2020-06-07. Review status: no assertion criteria provided. Collection method: clinical testing. Allele origin: germline. Not counted in ClinVar's aggregate classification.

PreventionGenetics, part of Exact Sciences
Classification: Likely benign for HGSNAT-related condition. Last evaluated: 2019-11-07. Review status: no assertion criteria provided. Collection method: clinical testing. Allele origin: germline. Not counted in ClinVar's aggregate classification.
Comment: This variant is classified as likely benign based on ACMG/AMP sequence variant interpretation guidelines (Richards et al. 2015 PMID: 25741868, with internal and published modifications).

Dr. Peter K. Rogan Lab, Western University
No classification provided (evidence only). Condition: Familial cancer of breast. Review status: no classification provided. Collection method: in vitro. Allele origin: not applicable. Functional consequence: retained intron. Not counted in ClinVar's aggregate classification.

Dr. Peter K. Rogan Lab, Western University
No classification provided (evidence only). Condition: Familial cancer of breast. Review status: no classification provided. Collection method: in vitro. Allele origin: not applicable. Functional consequence: retained intron. Not counted in ClinVar's aggregate classification.

Dr. Peter K. Rogan Lab, Western University
No classification provided (evidence only). Condition: Hepatocellular carcinoma. Review status: no classification provided. Collection method: in vitro. Allele origin: not applicable. Functional consequence: retained intron. Not counted in ClinVar's aggregate classification.